The following is an entry in ClinVar:

ClinVar aggregate classification (germline): Uncertain significance (1 of 4 stars; one submission).

Submission:

Labcorp Genetics (formerly Invitae), Labcorp
Classification: Uncertain significance. Last evaluated: 2023-03-31. Review status: criteria provided, single submitter. Criteria: Invitae Variant Classification Sherloc (09022015). Collection method: clinical testing. Allele origin: germline.
Comment: In summary, the available evidence is currently insufficient to determine the role of this variant in disease. Therefore, it has been classified as a Variant of Uncertain Significance. This variant has not been reported in the literature in individuals affected with HYOU1-related conditions. This variant is not present in population databases (gnomAD no frequency). This sequence change creates a premature translational stop signal (p.Ala161Serfs*2) in the HYOU1 gene. It is expected to result in an absent or disrupted protein product. However, the current clinical and genetic evidence is not sufficient to establish whether loss-of-function variants in HYOU1 cause disease.

NM_006389.5(HYOU1):c.479dup (p.Ala161fs)

Gene: HYOU1 (hypoxia up-regulated 1; minus strand). Cytogenetic location: 11q23.3.
Variant type: Duplication.
Coding change: c.479dup on transcript NM_006389.5 (MANE Select); coding-DNA position 479, one base duplicated (T; older notation c.479dupT).
Protein change: p.Ala161fs; shifts the reading frame from alanine 161.
Molecular consequence: frameshift variant.
Genome position (GRCh38, 1-based): chr11:119,055,001, A duplicated on the plus strand (T on the coding strand, the reverse complement: HYOU1 is on the minus strand). VCF-style (leftmost placement, unchanged base first): chr11-119055000-T-TA. GRCh37 (hg19) VCF-style: chr11-118925712-T-TA.
Other names: c.479dup, p.Ala161fs (NM_001130991.3, NM_001411041.1); short protein forms A161fs.
Identifiers: ClinVar variation 2851189 (VCV002851189.3), dbSNP rs2497202942, ClinGen allele CA2575005088.
Genomic context (GRCh38, chr11:119,055,000, plus strand): 5'-ATCCTGGGGAGCCTGGCCCTAAGGGCCCCACCTTGACCACTCACCTGCAAAATCTTCAGC[T>TA]AGAGAACGAGAATAATTGAGAACCATGCCCAACACTTCCTCAGGTGAGAACTGCAGCTGC-3'